The following is an entry in ClinVar:

ClinVar aggregate classification (germline): Conflicting classifications of pathogenicity. Review status: criteria provided, conflicting classifications (1 of 4 stars). 3 submissions from 3 submitters: Likely pathogenic (2); Uncertain significance (1). Last evaluated 2025-08-22.

Conditions:
Autosomal dominant Alport syndrome (ATS3A). Also called: Alport syndrome dominant type; Renal failure and sensorineural hearing loss; ALPORT SYNDROME 3A, AUTOSOMAL DOMINANT. Identifiers: Orphanet 63, Orphanet 88918, MedGen C5882663, MONDO:0007086, OMIM 104200.
Hematuria, benign familial, 2 (BFH2). Identifiers: MedGen C5830421, MONDO:0958186, OMIM 620320.
Alport syndrome 3b, autosomal recessive. Identifiers: MedGen C5882699, MONDO:0957811, OMIM 620536.
Alport syndrome. Also called: Hemorrhagic familial nephritis; Hemorrhagic hereditary nephritis; Congenital hereditary hematuria. Identifiers: Orphanet 63, MedGen C1567741, MONDO:0018965.

Submissions (3):

Natera, Inc.
Classification: Likely pathogenic for Alport syndrome. Last evaluated: 2025-08-22. Review status: criteria provided, single submitter. Criteria: Natera Variant Classification Schema (03/2026). Collection method: clinical testing. Allele origin: germline.
Comment: The c.3455G>A variant in COL4A3 is a missense variant predicted to cause substitution of glycine to aspartic acid at amino acid 1152. This variant is rare in the general population with a frequency below the threshold expected for the associated phenotype(s). This variant is located in a functionally critical region of the protein. Computational prediction algorithms indicate this variant is likely to affect gene or protein function. Given the available evidence, this variant is classified as Likely Pathogenic.

Fulgent Genetics
Classification: Likely pathogenic for Autosomal dominant Alport syndrome; Hematuria, benign familial, 2; Alport syndrome 3b, autosomal recessive. Last evaluated: 2024-04-03. Review status: criteria provided, single submitter. Criteria: ACMG Guidelines, 2015. Collection method: clinical testing. Allele origin: germline.

Labcorp Genetics (formerly Invitae), Labcorp
Classification: Uncertain significance. Last evaluated: 2023-11-20. Review status: criteria provided, single submitter. Criteria: Invitae Variant Classification Sherloc (09022015). Collection method: clinical testing. Allele origin: germline.
Comment: This sequence change replaces glycine, which is neutral and non-polar, with aspartic acid, which is acidic and polar, at codon 1152 of the COL4A3 protein (p.Gly1152Asp). This variant is not present in population databases (gnomAD no frequency). This variant has not been reported in the literature in individuals affected with COL4A3-related conditions. Advanced modeling of protein sequence and biophysical properties (such as structural, functional, and spatial information, amino acid conservation, physicochemical variation, residue mobility, and thermodynamic stability) performed at Invitae indicates that this missense variant is expected to disrupt COL4A3 protein function with a positive predictive value of 80%. This variant disrupts the p.Gly1152 amino acid residue in COL4A3. Other variant(s) that disrupt this residue have been determined to be pathogenic (PMID: 24854265, 26809805, 32359821). This suggests that this residue is clinically significant, and that variants that disrupt this residue are likely to be disease-causing. In summary, the available evidence is currently insufficient to determine the role of this variant in disease. Therefore, it has been classified as a Variant of Uncertain Significance.

Literature cited by the submitters: PubMed 24854265 (cited by Labcorp Genetics (formerly Invitae), Labcorp); PubMed 26809805 (cited by Labcorp Genetics (formerly Invitae), Labcorp); PubMed 32359821 (cited by Labcorp Genetics (formerly Invitae), Labcorp).

NM_000091.5(COL4A3):c.3455G>A (p.Gly1152Asp)

Genes: COL4A3 (collagen type IV alpha 3 chain; plus strand), MFF-DT (MFF divergent transcript; minus strand). Cytogenetic location: 2q36.3.
Variant type: single nucleotide variant.
Coding change: c.3455G>A on transcript NM_000091.5 (MANE Select); coding-DNA position 3455, G replaced by A.
Protein change: p.Gly1152Asp; replaces glycine 1152 with aspartic acid.
Molecular consequence: missense variant.
Genome position (GRCh38, 1-based): chr2:227,295,000, G>A. VCF-style: chr2-227295000-G-A. GRCh37 (hg19) VCF-style: chr2-228159716-G-A.
Other names: short protein forms G1152D.
Identifiers: ClinVar variation 3004008 (VCV003004008.5), dbSNP rs867868120, ClinGen allele CA66609010.